The following is an entry in ClinVar:

NM_001004334.4(GPR179):c.3961T>C (p.Cys1321Arg)

Gene: GPR179 (G protein-coupled receptor 179; minus strand). Cytogenetic location: 17q12.
Variant type: single nucleotide variant.
Coding change: c.3961T>C on transcript NM_001004334.4 (MANE Select); coding-DNA position 3961, T replaced by C.
Protein change: p.Cys1321Arg; replaces cysteine 1321 with arginine.
Molecular consequence: missense variant.
Genome position (GRCh38, 1-based): chr17:38,329,608, A>G on the plus strand (T>C on the coding strand, the complement: GPR179 is on the minus strand). VCF-style: chr17-38329608-A-G. GRCh37 (hg19) VCF-style: chr17-36485491-A-G.
Other names: short protein forms C1321R.
Identifiers: ClinVar variation 1009792 (VCV001009792.8), dbSNP rs1214233084, ClinGen allele CA398878012.

ClinVar aggregate classification (germline): Uncertain significance (1 of 4 stars; one submission).

Allele frequency attached by ClinVar (database versions not stated): gnomAD exomes below 0.00001.

Submission:

Labcorp Genetics (formerly Invitae), Labcorp
Classification: Uncertain significance. Last evaluated: 2022-08-31. Review status: criteria provided, single submitter. Criteria: Invitae Variant Classification Sherloc (09022015). Collection method: clinical testing. Allele origin: germline.
Comment: Algorithms developed to predict the effect of missense changes on protein structure and function are either unavailable or do not agree on the potential impact of this missense change (SIFT: "Deleterious"; PolyPhen-2: "Probably Damaging"; Align-GVGD: "Class C0"). In summary, the available evidence is currently insufficient to determine the role of this variant in disease. Therefore, it has been classified as a Variant of Uncertain Significance. This variant has not been reported in the literature in individuals affected with GPR179-related conditions. This sequence change replaces cysteine, which is neutral and slightly polar, with arginine, which is basic and polar, at codon 1321 of the GPR179 protein (p.Cys1321Arg). This variant is present in population databases (no rsID available, gnomAD 0.0009%). ClinVar contains an entry for this variant (Variation ID: 1009792).